The following is an entry in ClinVar:

ClinVar aggregate classification (germline): Likely benign. Review status: criteria provided, multiple submitters, no conflicts (2 of 4 stars). 2 submissions from 2 submitters: Likely benign (2). Last evaluated 2025-12-21.

Conditions:
Early-infantile DEE. Also called: Early infantile epileptic encephalopathy; Ohtahara syndrome; Early infantile epileptic encephalopathy with suppression bursts. Identifiers: Orphanet 1934, MedGen C0393706, MONDO:0800491.

Allele frequency attached by ClinVar (database versions not stated): gnomAD exomes 0.00003; gnomAD 0.00004 and 0.00006; ExAC 0.00008; TOPMed 0.00009; 1000 Genomes Project 30x 0.00031; 1000 Genomes Project 0.00040.
gnomAD v4.1: 47 of 1,606,048 alleles (0.0029%); highest among the groups gnomAD compares: Admixed American, 0.017%; no homozygotes.

Submissions (2):

Labcorp Genetics (formerly Invitae), Labcorp
Classification: Likely benign for Early-infantile DEE. Last evaluated: 2025-12-21. Review status: criteria provided, single submitter. Criteria: Invitae Variant Classification Sherloc (09022015). Collection method: clinical testing. Allele origin: germline.

GeneDx
Classification: Likely benign. Last evaluated: 2017-09-22. Review status: criteria provided, single submitter. Criteria: GeneDx Variant Classification (06012015). Collection method: clinical testing. Allele origin: germline. Affected: yes.
Comment: This variant is considered likely benign or benign based on one or more of the following criteria: it is a conservative change, it occurs at a poorly conserved position in the protein, it is predicted to be benign by multiple in silico algorithms, and/or has population frequency not consistent with disease.

NM_172107.4(KCNQ2):c.1301+15G>A

Gene: KCNQ2 (potassium voltage-gated channel subfamily Q member 2; minus strand). Cytogenetic location: 20q13.33.
Variant type: single nucleotide variant.
Coding change: c.1301+15G>A on transcript NM_172107.4 (MANE Select); 15 bases into the intron after coding-DNA position 1301, G replaced by A.
Molecular consequence: intron variant.
Genome position (GRCh38, 1-based): chr20:63,419,604, C>T on the plus strand (G>A on the coding strand, the complement: KCNQ2 is on the minus strand). VCF-style: chr20-63419604-C-T. GRCh37 (hg19) VCF-style: chr20-62050957-C-T.
Other names: c.1218-4478G>A (NM_004518.6); c.1248-4514G>A (NM_172108.5); c.1248-4478G>A (NM_172106.3).
Identifiers: ClinVar variation 516130 (VCV000516130.10), dbSNP rs571128290, ClinGen allele CA9958505.